The following is an entry in ClinVar:

ClinVar aggregate classification (germline): Uncertain significance (1 of 4 stars; one submission).

Conditions:
Inborn genetic diseases. Identifiers: MedGen C0950123, MeSH D030342.

Submission:

Ambry Genetics
Classification: Uncertain significance for Inborn genetic diseases. Last evaluated: 2025-07-31. Review status: criteria provided, single submitter. Criteria: Ambry Variant Classification Scheme 2023. Collection method: clinical testing. Allele origin: germline.
Comment: The p.V7A variant (also known as c.20T>C), located in coding exon 1 of the RECQL4 gene, results from a T to C substitution at nucleotide position 20. The valine at codon 7 is replaced by alanine, an amino acid with similar properties. This amino acid position is conserved. In addition, this alteration is predicted to be tolerated by in silico analysis. Based on the available evidence, the clinical significance of this variant remains unclear.

NM_004260.4(RECQL4):c.20T>C (p.Val7Ala)

Genes: RECQL4 (RecQ like helicase 4; minus strand), LOC130001411 (ATAC-STARR-seq lymphoblastoid silent region 19699; plus strand). Cytogenetic location: 8q24.3.
Variant type: single nucleotide variant.
Coding change: c.20T>C on transcript NM_004260.4 (MANE Select); coding-DNA position 20, T replaced by C.
Protein change: p.Val7Ala; replaces valine 7 with alanine.
Molecular consequence: missense variant. On other transcripts: 5 prime UTR variant (17), non-coding transcript variant (3).
Genome position (GRCh38, 1-based): chr8:144,517,765, A>G on the plus strand (T>C on the coding strand, the complement: RECQL4 is on the minus strand). VCF-style: chr8-144517765-A-G. GRCh37 (hg19) VCF-style: chr8-145743149-A-G.
Other names: c.20T>C, p.Val7Ala (NM_001413017.1, NM_001413018.1, NM_001413019.1 and 6 more transcripts); c.-766T>C (NM_001413021.1); c.-1117T>C (NM_001413022.1, NM_001413023.1, NM_001413042.1 and 2 more transcripts); c.-1014T>C (NM_001413024.1); c.-1114T>C (NM_001413027.1); c.-1022T>C (NM_001413040.1); c.-1179T>C (NM_001413041.1, NM_001413030.1, NM_001413031.1); c.-1386T>C (NM_001413043.1); and 4 more; short protein forms V7A.
Identifiers: ClinVar variation 4152398 (VCV004152398.1).